The following is an entry in ClinVar:

NM_000400.4(ERCC2):c.263G>A (p.Arg88Gln)

Gene: ERCC2 (ERCC excision repair 2, TFIIH core complex helicase subunit; minus strand). Cytogenetic location: 19q13.32.
Variant type: single nucleotide variant.
Coding change: c.263G>A on transcript NM_000400.4 (MANE Select); coding-DNA position 263, G replaced by A.
Protein change: p.Arg88Gln; replaces arginine 88 with glutamine.
Molecular consequence: missense variant.
Genome position (GRCh38, 1-based): chr19:45,368,727, C>T on the plus strand (G>A on the coding strand, the complement: ERCC2 is on the minus strand). VCF-style: chr19-45368727-C-T. GRCh37 (hg19) VCF-style: chr19-45871985-C-T.
Other names: c.191G>A, p.Arg64Gln (NM_001130867.2); short protein forms R64Q, R88Q.
Identifiers: ClinVar variation 2173546 (VCV002173546.1), dbSNP rs777095373, ClinGen allele CA9513843.

ClinVar aggregate classification (germline): Uncertain significance (1 of 4 stars; one submission).

Allele frequency attached by ClinVar (database versions not stated): gnomAD exomes below 0.00001; TOPMed below 0.00001; ExAC 0.00001; gnomAD 0.00002.

Submission:

Labcorp Genetics (formerly Invitae), Labcorp
Classification: Uncertain significance. Last evaluated: 2022-01-21. Review status: criteria provided, single submitter. Criteria: Invitae Variant Classification Sherloc (09022015). Collection method: clinical testing. Allele origin: germline.
Comment: This sequence change replaces arginine, which is basic and polar, with glutamine, which is neutral and polar, at codon 88 of the ERCC2 protein (p.Arg88Gln). This variant is present in population databases (rs777095373, gnomAD 0.006%). This variant has not been reported in the literature in individuals affected with ERCC2-related conditions. Algorithms developed to predict the effect of missense changes on protein structure and function (SIFT, PolyPhen-2, Align-GVGD) all suggest that this variant is likely to be tolerated. In summary, the available evidence is currently insufficient to determine the role of this variant in disease. Therefore, it has been classified as a Variant of Uncertain Significance.